The following is an entry in ClinVar:

ClinVar aggregate classification (germline): Uncertain significance (1 of 4 stars; one submission).

Conditions:
Hereditary insensitivity to pain with anhidrosis (CIPA). Also called: NTRK1 Congenital Insensitivity to Pain with Anhidrosis; HSAN Type IV; FAMILIAL DYSAUTONOMIA, TYPE II; NEUROPATHY, CONGENITAL SENSORY, WITH ANHIDROSIS; hereditary sensory and autonomic neuropathy type 4; INSENSITIVITY TO PAIN, CONGENITAL, WITH ANHIDROSIS. Identifiers: Orphanet 642, MedGen C0020074, MONDO:0009746, OMIM 256800.

gnomAD v4.1: 3 of 1,580,844 alleles (0.00019%); highest among the groups gnomAD compares: South Asian, 0.0011%; no homozygotes.

Submission:

Labcorp Genetics (formerly Invitae), Labcorp
Classification: Uncertain significance for Hereditary insensitivity to pain with anhidrosis. Last evaluated: 2021-08-31. Review status: criteria provided, single submitter. Criteria: Invitae Variant Classification Sherloc (09022015). Collection method: clinical testing. Allele origin: germline.
Comment: This sequence change replaces glycine with serine at codon 64 of the NTRK1 protein (p.Gly64Ser). The glycine residue is moderately conserved and there is a small physicochemical difference between glycine and serine. This variant is not present in population databases (ExAC no frequency). This variant has not been reported in the literature in individuals affected with NTRK1-related conditions. Advanced modeling of protein sequence and biophysical properties (such as structural, functional, and spatial information, amino acid conservation, physicochemical variation, residue mobility, and thermodynamic stability) performed at Invitae indicates that this missense variant is not expected to disrupt NTRK1 protein function. Algorithms developed to predict the effect of sequence changes on RNA splicing suggest that this variant may create or strengthen a splice site. In summary, the available evidence is currently insufficient to determine the role of this variant in disease. Therefore, it has been classified as a Variant of Uncertain Significance.

NM_002529.4(NTRK1):c.190G>A (p.Gly64Ser)

Gene: NTRK1 (neurotrophic receptor tyrosine kinase 1; plus strand). Cytogenetic location: 1q23.1.
Variant type: single nucleotide variant.
Coding change: c.190G>A on transcript NM_002529.4 (MANE Select); coding-DNA position 190, G replaced by A.
Protein change: p.Gly64Ser; replaces glycine 64 with serine.
Molecular consequence: missense variant. On other transcripts: intron variant (1).
Genome position (GRCh38, 1-based): chr1:156,861,124, G>A. VCF-style: chr1-156861124-G-A. GRCh37 (hg19) VCF-style: chr1-156830916-G-A.
Other names: c.190G>A, p.Gly64Ser (NM_001012331.2); c.123-3230G>A (NM_001007792.1); short protein forms G64S.
Identifiers: ClinVar variation 1354674 (VCV001354674.5), dbSNP rs753992251, ClinGen allele CA342930106.